The following is an entry in ClinVar:

NM_001312909.2(FAM111A):c.782_791dup (p.Phe264fs)

Gene: FAM111A (FAM111 trypsin like peptidase A; plus strand). Cytogenetic location: 11q12.1.
Variant type: Duplication.
Coding change: c.782_791dup on transcript NM_001312909.2 (MANE Select); coding-DNA positions 782 to 791, 10 bases duplicated (GCAGATACTT; older notation c.782_791dupGCAGATACTT).
Protein change: p.Phe264fs; shifts the reading frame from phenylalanine 264.
Molecular consequence: frameshift variant.
Genome position (GRCh38, 1-based): chr11:59,152,450-59,152,459, GCAGATACTT duplicated. VCF-style (leftmost placement, unchanged base first): chr11-59152449-G-GGCAGATACTT. GRCh37 (hg19) VCF-style: chr11-58919922-G-GGCAGATACTT.
Other names: c.782_791dup, p.Phe264fs (NM_001142519.3, NM_001142520.3, NM_001142521.3 and 29 more transcripts); c.782_791dup10 (NM_022074.3); short protein forms F264fs.
Identifiers: ClinVar variation 770974 (VCV000770974.42), dbSNP rs533676902, ClinGen allele CA6016646.
Genomic context (GRCh38, chr11:59,152,449, plus strand): 5'-AAACTCATTGAAAACAATGACACCATTTTAGAAAGCACCCAGCCAGTTGATGAATTAGAA[G>GGCAGATACTT]GCAGATACTTTCAGGTTGAGGTTGAGAAAAGAATGGTCCCCAGTGCAGCAGCTTCTCAGA-3'

ClinVar aggregate classification (germline): Benign/Likely benign. Review status: criteria provided, multiple submitters, no conflicts (2 of 4 stars). 9 submissions from 9 submitters: Benign (2); Likely benign (2). 5 of the submissions do not count toward it. Last evaluated 2026-02-01.

Conditions:
FAM111A-related disorder. Also called: FAM111A-related condition.
Autosomal dominant Kenny-Caffey syndrome. Also called: Kenny-Caffey syndrome type 2. Identifiers: Orphanet 2333, Orphanet 93325, MedGen C4316787, MONDO:0007478, OMIM 127000.

Allele frequency attached by ClinVar (database versions not stated): 1000 Genomes Project 0.00140; ESP Exome Variant Server 0.00448; gnomAD 0.00467 and 0.00478; gnomAD exomes 0.00531 and 0.00659; ExAC 0.00581.

Submissions (9):

CeGaT Center for Human Genetics Tuebingen
Classification: Likely benign. Last evaluated: 2026-02-01. Review status: criteria provided, single submitter. Criteria: CeGaT Center For Human Genetics Tuebingen Variant Classification Criteria Version 2. Collection method: clinical testing. Allele origin: germline. Affected: yes. Observed: 7 variant alleles.
Comment: FAM111A: BS2

Labcorp Genetics (formerly Invitae), Labcorp
Classification: Benign. Last evaluated: 2026-01-19. Review status: criteria provided, single submitter. Criteria: Invitae Variant Classification Sherloc (09022015). Collection method: clinical testing. Allele origin: germline.

GeneDx
Classification: Likely benign. Last evaluated: 2020-10-08. Review status: criteria provided, single submitter. Criteria: GeneDx Variant Classification Process June 2021. Collection method: clinical testing. Allele origin: germline. Affected: yes.

Victorian Clinical Genetics Services, Murdoch Childrens Research Institute
Classification: Benign for Autosomal dominant Kenny-Caffey syndrome. Last evaluated: 2020-05-21. Review status: criteria provided, single submitter. Criteria: ACMG Guidelines, 2015. Collection method: clinical testing. Allele origin: germline. Inheritance: Autosomal dominant inheritance.
Comment: Based on the classification scheme VCGS_Germline_v0.6.1, this variant is classified as Benign. Following criteria are met: 0107 - This gene is known to be associated with autosomal dominant disease. 0201 - Variant is predicted to cause nonsense-mediated decay (NMD) and loss of protein. 0308 - Population frequency for this variant is out of keeping with known disease incidence. 0405 - Variant is located in a gene associated with a severe early onset condition that is TOLERANT to loss-of-function variation. 0507 - Identified variant type is not compatible with in-silico predictions of pathogenicity. 0706 - Variant impact is not consistent with known spectrum of pathogenic variants in the affected gene. Legend: (P) - Pathogenic, (N) - Neutral, (B) - Benign

PreventionGenetics, part of Exact Sciences
Classification: Likely benign for FAM111A-related condition. Last evaluated: 2019-03-28. Review status: no assertion criteria provided. Collection method: clinical testing. Allele origin: germline. Not counted in ClinVar's aggregate classification.
Comment: This variant is classified as likely benign based on ACMG/AMP sequence variant interpretation guidelines (Richards et al. 2015 PMID: 25741868, with internal and published modifications).

Clinical Genetics DNA and cytogenetics Diagnostics Lab, Erasmus MC, Erasmus Medical Center
Classification: Benign. Review status: no assertion criteria provided. Collection method: clinical testing. Allele origin: germline. Affected: yes. Study: VKGL Data-share Consensus. Not counted in ClinVar's aggregate classification.

Department of Pathology and Laboratory Medicine, Sinai Health System
Classification: Benign. Review status: no assertion criteria provided. Collection method: clinical testing. Allele origin: unknown. Affected: yes. Study: The Canadian Open Genetics Repository (COGR). Not counted in ClinVar's aggregate classification.
Comment: The FAM111A p.Phe264Leufs*7 variant was not identified in the literature but was identified in dbSNP (ID: rs533676902) and ClinVar (classified as benign by Invitae). The variant was identified in control databases in 1502 of 282234 chromosomes (8 homozygous) at a frequency of 0.005322 increasing the likelihood this could be a low frequency benign variant (Genome Aggregation Database March 6, 2019, v2.1.1). The variant was observed in the following populations: European (non-Finnish) in 1155 of 128682 chromosomes (freq: 0.008976), European (Finnish) in 196 of 25106 chromosomes (freq: 0.007807), Other in 27 of 7208 chromosomes (freq: 0.003746), South Asian in 65 of 30600 chromosomes (freq: 0.002124), Latino in 40 of 35400 chromosomes (freq: 0.00113), African in 18 of 24936 chromosomes (freq: 0.000722) and Ashkenazi Jewish in 1 of 10354 chromosomes (freq: 0.000097), but was not observed in the East Asian population. This is greater than expected for the rare, autosomal dominant conditions Gracile bone dysplasia and Kenny-Caffey syndrome type 2 associated with FAM111A variants. The c.782_791dup variant is predicted to cause a frameshift, which alters the protein's amino acid sequence beginning at codon 261 and leads to a premature stop codon 7 amino acids downstream. This alteration is then predicted to result in a truncated or absent protein and loss of function. There is currently a lack of evidence for a disease association from loss of function variants of the FAM111A gene. In summary, based on the above information this variant meets our laboratory's criteria to be classified as benign.

Genome Diagnostics Laboratory, University Medical Center Utrecht
Classification: Benign. Review status: no assertion criteria provided. Collection method: clinical testing. Allele origin: germline. Affected: yes. Study: VKGL Data-share Consensus. Not counted in ClinVar's aggregate classification.

Laboratory of Diagnostic Genome Analysis, Leiden University Medical Center (LUMC)
Classification: Likely benign. Review status: no assertion criteria provided. Collection method: clinical testing. Allele origin: germline. Affected: yes. Study: VKGL Data-share Consensus. Not counted in ClinVar's aggregate classification.